The following is an entry in ClinVar:

NM_006796.3(AFG3L2):c.1378G>A (p.Asp460Asn)

Gene: AFG3L2 (AFG3 like matrix AAA peptidase subunit 2; minus strand). Cytogenetic location: 18p11.21.
Variant type: single nucleotide variant.
Coding change: c.1378G>A on transcript NM_006796.3 (MANE Select); coding-DNA position 1378, G replaced by A.
Protein change: p.Asp460Asn; replaces aspartic acid 460 with asparagine.
Molecular consequence: missense variant.
Genome position (GRCh38, 1-based): chr18:12,351,354, C>T on the plus strand (G>A on the coding strand, the complement: AFG3L2 is on the minus strand). VCF-style: chr18-12351354-C-T. GRCh37 (hg19) VCF-style: chr18-12351353-C-T.
Other names: short protein forms D460N.
Identifiers: ClinVar variation 1676883 (VCV001676883.5), dbSNP rs2143165387, ClinGen allele CA401952411.
Genomic context (GRCh38, chr18:12,351,354, plus strand): 5'-ACATCATCTCACCAATAAAGATCTGCCTGTCGAAACGCCCCGGCCTAAGCAGCGCGGGGT[C>T]CAGGATATCTGGTCGATTGGTGCCGGCCAAAATGACGACATTTGTTGTTGTATTAAAACC-3'
Protein context (NP_006787.2, residues 450-470): LAGTNRPDIL[Asp460Asn]PALLRPGRFD

ClinVar aggregate classification (germline): Pathogenic (1 of 4 stars; one submission).

Conditions:
Optic atrophy 12. Also called: Optic Atrophy Type 12 (OPA12). Identifiers: MedGen C5436534, MONDO:0033549, OMIM 618977.
Spastic ataxia 5. Also called: Spastic Ataxia Type 5 (SPAX5). Identifiers: Orphanet 313772, MedGen C3280977, MONDO:0013776, OMIM 614487.
Spinocerebellar ataxia type 28 (SCA28). Also called: Spinocerebellar Ataxia Type 28 (SCA28). Identifiers: Orphanet 101109, MedGen C1853249, MONDO:0012450, OMIM 610246.

Submission:

GeneDx
Classification: Pathogenic. Last evaluated: 2022-04-12. Review status: criteria provided, single submitter. Criteria: GeneDx Variant Classification Process June 2021. Collection method: clinical testing. Allele origin: germline. Affected: yes.
Comment: Not observed at significant frequency in large population cohorts (gnomAD); In silico analysis supports that this missense variant has a deleterious effect on protein structure/function; Has not been previously published as pathogenic or benign to our knowledge; This variant is associated with the following publications: (PMID: 27535533)